The following is an entry in ClinVar:

NM_016203.4(PRKAG2):c.213C>G (p.Ser71Arg)

Gene: PRKAG2 (protein kinase AMP-activated non-catalytic subunit gamma 2; minus strand). Cytogenetic location: 7q36.1.
Variant type: single nucleotide variant.
Coding change: c.213C>G on transcript NM_016203.4 (MANE Select); coding-DNA position 213, C replaced by G.
Protein change: p.Ser71Arg; replaces serine 71 with arginine.
Molecular consequence: missense variant. On other transcripts: intron variant (1).
Genome position (GRCh38, 1-based): chr7:151,781,405, G>C on the plus strand (C>G on the coding strand, the complement: PRKAG2 is on the minus strand). VCF-style: chr7-151781405-G-C. GRCh37 (hg19) VCF-style: chr7-151478491-G-C.
Other names: c.81C>G, p.Ser27Arg (NM_001040633.2, NM_001407024.1, NM_001407026.1 and 2 more transcripts); c.213C>G, p.Ser71Arg (NM_001407021.1, NM_001407022.1, NM_001407023.1 and 2 more transcripts); c.148+33011C>G (NM_001407032.1); short protein forms S27R, S71R.
Identifiers: ClinVar variation 3070923 (VCV003070923.1), dbSNP rs2076660626, ClinGen allele CA370069899.

ClinVar aggregate classification (germline): Uncertain significance (1 of 4 stars; one submission).

Conditions:
Hypertrophic cardiomyopathy. Also called: HYPERTROPHIC MYOCARDIOPATHY. Identifiers: Orphanet 217569, MedGen C0007194, MeSH D002312, MONDO:0005045, HP:0001639.

Submission:

All of Us Research Program, National Institutes of Health
Classification: Uncertain significance for Hypertrophic cardiomyopathy. Last evaluated: 2023-05-08. Review status: criteria provided, single submitter. Criteria: ACMG Guidelines, 2015. Collection method: clinical testing. Allele origin: germline. Inheritance: Autosomal dominant inheritance. Observed: 1 variant allele, 1 heterozygote.
Comment: This study involves interpretation of variants in research participants for the purpose of population health screening. Participant phenotype was not available at the time of variant classification. Additional details can be found in publication PMID: 35346344, PMCID: PMC8962531